The following is an entry in ClinVar:

NM_001374828.1(ARID1B):c.5979G>C (p.Glu1993Asp)

Gene: ARID1B (AT-rich interaction domain 1B; plus strand). Cytogenetic location: 6q25.3.
Variant type: single nucleotide variant.
Coding change: c.5979G>C on transcript NM_001374828.1 (MANE Select); coding-DNA position 5979, G replaced by C.
Protein change: p.Glu1993Asp; replaces glutamic acid 1993 with aspartic acid.
Molecular consequence: missense variant.
Genome position (GRCh38, 1-based): chr6:157,206,751, G>C. VCF-style: chr6-157206751-G-C. GRCh37 (hg19) VCF-style: chr6-157527885-G-C.
Other names: c.5730G>C, p.Glu1910Asp (NM_001346813.1); c.3480G>C, p.Glu1160Asp (NM_001363725.2); c.5859G>C, p.Glu1953Asp (NM_001371656.1, NM_001374820.1); c.5820G>C, p.Glu1940Asp (NM_017519.3); c.5610G>C, p.Glu1870Asp (NM_020732.3); c.5397G>C, p.Glu1799Asp (NM_175863.2); short protein forms E1160D, E1799D, E1870D, E1910D, E1940D, E1953D, E1993D.
Identifiers: ClinVar variation 1717634 (VCV001717634.5), dbSNP rs1381000019, ClinGen allele CA366247276.

ClinVar aggregate classification (germline): Uncertain significance (1 of 4 stars; one submission).

Allele frequency attached by ClinVar (database versions not stated): gnomAD exomes below 0.00001; TOPMed 0.00001.
gnomAD v4.1: 2 of 1,613,358 alleles (0.00012%); highest among the groups gnomAD compares: Admixed American, 0.0033%; no homozygotes.

Submission:

Labcorp Genetics (formerly Invitae), Labcorp
Classification: Uncertain significance. Last evaluated: 2022-08-22. Review status: criteria provided, single submitter. Criteria: Invitae Variant Classification Sherloc (09022015). Collection method: clinical testing. Allele origin: germline.
Comment: This variant has not been reported in the literature in individuals affected with ARID1B-related conditions. Algorithms developed to predict the effect of missense changes on protein structure and function are either unavailable or do not agree on the potential impact of this missense change (SIFT: "Deleterious"; PolyPhen-2: "Benign"; Align-GVGD: "Class C0"). In summary, the available evidence is currently insufficient to determine the role of this variant in disease. Therefore, it has been classified as a Variant of Uncertain Significance. This variant is present in population databases (no rsID available, gnomAD 0.003%). This sequence change replaces glutamic acid, which is acidic and polar, with aspartic acid, which is acidic and polar, at codon 1870 of the ARID1B protein (p.Glu1870Asp).